The following is an entry in ClinVar:

NM_000038.6(APC):c.1875_1878del (p.Asn627fs)

Gene: APC (APC regulator of Wnt signaling pathway; plus strand). Cytogenetic location: 5q22.2.
Variant type: Deletion.
Coding change: c.1875_1878del on transcript NM_000038.6 (MANE Select); coding-DNA positions 1875 to 1878, 4 bases deleted (GACA; older notation c.1875_1878delGACA).
Protein change: p.Asn627fs; shifts the reading frame from asparagine 627.
Molecular consequence: frameshift variant.
Genome position (GRCh38, 1-based): chr5:112,835,082-112,835,085, GACA deleted; deleting any 4 consecutive bases within chr5:112,835,080-112,835,085 gives the same sequence; the c. name uses the placement nearest the transcript's 3' end. VCF-style (leftmost placement, unchanged base first): chr5-112835079-CCAGA-C. GRCh37 (hg19) VCF-style: chr5-112170776-CCAGA-C.
Other names: c.1875_1878del, p.Asn627fs (NM_001127510.3, NM_001354895.2); c.1821_1824del, p.Asn609fs (NM_001127511.3); c.1929_1932del, p.Asn645fs (NM_001354896.2); c.1905_1908del, p.Asn637fs (NM_001354897.2); c.1800_1803del, p.Asn602fs (NM_001354898.2); c.1791_1794del, p.Asn599fs (NM_001354899.2); c.1752_1755del, p.Asn586fs (NM_001354900.2); c.1698_1701del, p.Asn568fs (NM_001354901.2); and 5 more; short protein forms N536fs, N627fs, N344fs, N602fs, N609fs, N467fs, N568fs, N586fs.
Identifiers: ClinVar variation 236565 (VCV000236565.21), dbSNP rs878853420, ClinGen allele CA10582291.

ClinVar aggregate classification (germline): Pathogenic. Review status: criteria provided, multiple submitters, no conflicts (2 of 4 stars). 5 submissions from 5 submitters: Pathogenic (3). 2 of the submissions do not count toward it. Last evaluated 2024-09-23.

Conditions:
Carcinoma of colon (CRC). Also called: Colon carcinoma; Colonic carcinoma. Identifiers: MedGen C0699790, MONDO:0002032.
Hereditary cancer-predisposing syndrome. Also called: Hereditary neoplastic syndrome; Tumor predisposition; Neoplastic Syndromes, Hereditary; Hereditary Cancer Syndrome. Identifiers: Orphanet 140162, MedGen C0027672, MeSH D009386, MONDO:0015356.
Familial adenomatous polyposis 1 (FAP1). Also called: POLYPOSIS, ADENOMATOUS INTESTINAL; FAMILIAL ADENOMATOUS POLYPOSIS 1, ATTENUATED. Identifiers: MedGen C2713442, MONDO:0021056, OMIM 175100. Disease mechanism: loss of function.

Submissions (5):

Labcorp Genetics (formerly Invitae), Labcorp
Classification: Pathogenic for Familial adenomatous polyposis 1. Last evaluated: 2024-09-23. Review status: criteria provided, single submitter. Criteria: Invitae Variant Classification Sherloc (09022015). Collection method: clinical testing. Allele origin: germline.
Comment: This sequence change creates a premature translational stop signal (p.Asn627Leufs*2) in the APC gene. It is expected to result in an absent or disrupted protein product. Loss-of-function variants in APC are known to be pathogenic (PMID: 17963004, 20685668). This variant is not present in population databases (gnomAD no frequency). This premature translational stop signal has been observed in individual(s) with familial adenomatous polyposis (PMID: 8381580, 19029688, 20685668, 20924072). ClinVar contains an entry for this variant (Variation ID: 236565). Algorithms developed to predict the effect of sequence changes on RNA splicing suggest that this variant may disrupt the consensus splice site. For these reasons, this variant has been classified as Pathogenic.

Ambry Genetics
Classification: Pathogenic for Hereditary cancer-predisposing syndrome. Last evaluated: 2023-06-12. Review status: criteria provided, single submitter. Criteria: Ambry Variant Classification Scheme 2023. Collection method: clinical testing. Allele origin: germline.
Comment: The c.1875_1878delGACA pathogenic mutation, located in coding exon 14 of the APC gene, results from a deletion of 4 nucleotides at nucleotide positions 1875 to 1878, causing a translational frameshift with a predicted alternate stop codon (p.N627Lfs*2). This mutation (designated CAGACA->CA) was first reported in 1/160 French patients with adenomatous polyposis (Olschwang S et al. Am. J. Hum. Genet., 1993 Feb;52:273-9), and it has since been identified in 3/934 French patients with familial adenomatous polyposis (FAP) (Lagarde A et al. J. Med. Genet., 2010 Oct;47:721-2), 1/300 unrelated Polish FAP families (Plawski A et al. J. Appl. Genet., 2008;49:407-14), and 1/136 Spanish families with classical FAP (Rivera B et al. Ann. Oncol., 2011 Apr;22:903-9). In addition to the clinical data presented in the literature, this alteration is expected to result in loss of function by premature protein truncation or nonsense-mediated mRNA decay. As such, this alteration is interpreted as a disease-causing mutation.

Myriad Genetics, Inc.
Classification: Pathogenic for Familial adenomatous polyposis 1. Last evaluated: 2023-05-03. Review status: criteria provided, single submitter. Criteria: Myriad Autosomal Dominant, Autosomal Recessive and X-Linked Classification Criteria (2023). Collection method: clinical testing. Allele origin: unknown.
Comment: This variant is considered pathogenic. This variant creates a frameshift predicted to result in premature protein truncation.

Department of Pathology and Laboratory Medicine, Sinai Health System
Classification: Pathogenic for Carcinoma of colon. Review status: no assertion criteria provided. Collection method: clinical testing. Allele origin: unknown. Affected: yes. Observed: 2 variant alleles. Study: The Canadian Open Genetics Repository (COGR). Not counted in ClinVar's aggregate classification.
Comment: The APC p.Asn627LeufsX2 variant was identified in 3 of 1192 proband chromosomes (frequency: 0.003) from French, Spanish and Polish individuals or families with FAP (Olschwang 1993, Plawski 2008, Rivera 2011). The variant was identified in the following databases: Clinvitae (as pathogenic), COSMIC (1x in an adenocarcinoma), InSiGHT Colon Cancer Gene Variant Database (LOVD), ClinVar (pathogenic by Invitae), and UMD (1x with a â€šÃ„Ãºcausalâ€šÃ„Ã¹ classification); but the variant was not identified in dbSNP, the 1000 Genomes Project, the NHLBI Exome Sequencing Project, the Exome Aggregation Consortium, the genome Aggregation Database (beta), COGR, MutDB, or the Zhejiang Colon Cancer Database (LOVD). The c.1875_1878del variant is predicted to cause a frameshift, which alters the protein's amino acid sequence beginning at codon 627 and leads to a premature stop codon 2 codons downstream. This alteration is then predicted to result in a truncated or absent protein and loss of function. Loss of function variants of the APC gene are an established mechanism of disease in familial adenomatous polyposis and is the type of variant expected to cause the disorder. In summary, based on the above information, this variant meets our laboratoryâ€šÃ„Ã´s criteria to be classified as pathogenic.

Mayo Clinic Laboratories, Mayo Clinic
Classification: Pathogenic. Review status: no assertion criteria provided. Collection method: clinical testing. Allele origin: unknown. Not counted in ClinVar's aggregate classification.

Literature cited by the submitters: PubMed 17963004 (cited by Labcorp Genetics (formerly Invitae), Labcorp); PubMed 20685668 (cited by Labcorp Genetics (formerly Invitae), Labcorp and Ambry Genetics); PubMed 8381580 (cited by Labcorp Genetics (formerly Invitae), Labcorp and Ambry Genetics); PubMed 19029688 (cited by Labcorp Genetics (formerly Invitae), Labcorp and Ambry Genetics); PubMed 20924072 (cited by Labcorp Genetics (formerly Invitae), Labcorp and Ambry Genetics); PubMed 8111410 (cited by Ambry Genetics).